The following continues an entry in ClinVar:

NM_000138.5(FBN1):c.986T>C (p.Ile329Thr)

Gene: FBN1. ClinVar aggregate classification (germline): Benign. Benign (1).

Submissions 18 to 26 of 26:

Illumina Laboratory Services, Illumina
Classification: Likely benign for Weill-Marchesani syndrome. Last evaluated: 2018-02-02. Review status: criteria provided, single submitter. Criteria: ICSL Variant Classification Criteria 13 December 2019. Collection method: clinical testing. Allele origin: germline. Not counted in ClinVar's aggregate classification.
Comment: This variant was observed as part of a predisposition screen in an ostensibly healthy population. A literature search was performed for the gene, cDNA change, and amino acid change (where applicable). No publications were found based on this search. Allele frequency data from public databases allowed determination this variant is unlikely to cause disease. Therefore, this variant is classified as likely benign.

Mayo Clinic Laboratories, Mayo Clinic
Classification: Benign. Last evaluated: 2017-09-28. Review status: criteria provided, single submitter. Criteria: ACMG Guidelines, 2015. Collection method: clinical testing. Allele origin: germline. Observed: 8 variant alleles. Not counted in ClinVar's aggregate classification.

Center for Human Genetics, Inc
Classification: Uncertain significance for Marfan syndrome. Last evaluated: 2016-11-01. Review status: criteria provided, single submitter. Criteria: ACMG Guidelines, 2015. Collection method: clinical testing. Allele origin: germline. Affected: yes. Not counted in ClinVar's aggregate classification.

CHEO Genetics Diagnostic Laboratory, Children's Hospital of Eastern Ontario
Classification: Benign for Familial thoracic aortic aneurysm and aortic dissection. Last evaluated: 2016-08-02. Review status: criteria provided, single submitter. Criteria: ACMG Guidelines, 2015. Collection method: clinical testing. Allele origin: germline. Study: Canadian Open Genetics Repository. Not counted in ClinVar's aggregate classification.

Ambry Genetics
Classification: Benign for Familial thoracic aortic aneurysm and aortic dissection. Last evaluated: 2015-07-20. Review status: criteria provided, single submitter. Criteria: Ambry Variant Classification Scheme 2023. Collection method: clinical testing. Allele origin: germline. Not counted in ClinVar's aggregate classification.

Eurofins Ntd Llc (ga)
Classification: Benign. Last evaluated: 2014-12-03. Review status: criteria provided, single submitter. Criteria: EGL Classification Definitions 2015. Collection method: clinical testing. Allele origin: germline. Observed: 1 variant allele, 1 heterozygote. Not counted in ClinVar's aggregate classification.

Laboratory for Molecular Medicine, Mass General Brigham Personalized Medicine
Classification: Benign. Last evaluated: 2014-09-22. Review status: criteria provided, single submitter. Criteria: LMM Criteria. Collection method: clinical testing. Allele origin: germline. Observed: 2 variant alleles. Not counted in ClinVar's aggregate classification.
Comment: Ile329Thr in exon 9 of FBN1: This variant is not expected to have clinical signi ficance because it has been identified in 2.3% (103/4394) of African American ch romosomes by the NHLBI Exome Sequencing Project (S/; dbSNP rs12324002).

Center for Medical Genetics Ghent, University of Ghent
Classification: Likely benign for Marfan syndrome. Last evaluated: 2017-11-07. Review status: no assertion criteria provided. Collection method: clinical testing. Allele origin: germline. Affected: yes. Not counted in ClinVar's aggregate classification.

Women's Health and Genetics/Laboratory Corporation of America, LabCorp
Classification: Benign for Marfan's syndrome. Last evaluated: 2012-01-27. Review status: no assertion criteria provided. Collection method: clinical testing. Allele origin: germline. Not counted in ClinVar's aggregate classification.

Literature cited by the submitters: PubMed 19293843 (cited by Illumina Laboratory Services, Illumina and Laboratory for Molecular Medicine, Mass General Brigham Personalized Medicine); PubMed 23653584 (cited by Illumina Laboratory Services, Illumina).